The following is an entry in ClinVar:

NM_000127.3(EXT1):c.487_488insAA (p.Arg163fs)

Gene: EXT1 (exostosin glycosyltransferase 1; minus strand). Cytogenetic location: 8q24.11.
Variant type: Insertion.
Coding change: c.487_488insAA on transcript NM_000127.3 (MANE Select); coding-DNA positions 487 to 488, AA inserted.
Protein change: p.Arg163fs; shifts the reading frame from arginine 163.
Molecular consequence: frameshift variant.
Genome position: GRCh38 VCF-style: chr8-118110559-C-CTT. GRCh37 (hg19) VCF-style: chr8-119122798-C-CTT.
Other names: short protein forms R163fs.
Identifiers: ClinVar variation 1069287 (VCV001069287.7), dbSNP rs1817879250, ClinGen allele CA2499219109.

ClinVar aggregate classification (germline): Pathogenic (1 of 4 stars; one submission).

Conditions:
Multiple congenital exostosis (EXT). Also called: Hereditary multiple exostoses; Hereditary multiple exostosis; MULTIPLE CARTILAGINOUS EXOSTOSES; Multiple exostoses; Hereditary multiple osteochondromas; Multiple osteochondromas. Identifiers: Orphanet 321, MedGen C0015306, MONDO:0005508, HP:0002762.

Submission:

Labcorp Genetics (formerly Invitae), Labcorp
Classification: Pathogenic for Multiple congenital exostosis. Last evaluated: 2020-07-08. Review status: criteria provided, single submitter. Criteria: Invitae Variant Classification Sherloc (09022015). Collection method: clinical testing. Allele origin: germline.
Comment: For these reasons, this variant has been classified as Pathogenic. This sequence change creates a premature translational stop signal (p.Arg163Lysfs*13) in the EXT1 gene. It is expected to result in an absent or disrupted protein product. This variant is not present in population databases (ExAC no frequency). This variant has not been reported in the literature in individuals with EXT1-related conditions. Loss-of-function variants in EXT1 are known to be pathogenic (PMID: 10679937, 11391482, 19810120).

Literature cited by the submitters: PubMed 10679937; PubMed 11391482; PubMed 19810120.